The following is an entry in ClinVar:

NM_000429.3(MAT1A):c.697G>A (p.Ala233Thr)

Gene: MAT1A (methionine adenosyltransferase 1A; minus strand). Cytogenetic location: 10q22.3.
Variant type: single nucleotide variant.
Coding change: c.697G>A on transcript NM_000429.3 (MANE Select); coding-DNA position 697, G replaced by A.
Protein change: p.Ala233Thr; replaces alanine 233 with threonine.
Molecular consequence: missense variant.
Genome position (GRCh38, 1-based): chr10:80,276,447, C>T on the plus strand (G>A on the coding strand, the complement: MAT1A is on the minus strand). VCF-style: chr10-80276447-C-T. GRCh37 (hg19) VCF-style: chr10-82036203-C-T.
Other names: short protein forms A233T.
Identifiers: ClinVar variation 1926374 (VCV001926374.5), dbSNP rs1050443258, ClinGen allele CA210323752.

ClinVar aggregate classification (germline): Uncertain significance (1 of 4 stars; one submission).

Conditions:
Hepatic methionine adenosyltransferase deficiency. Also called: Methionine adenosyltransferase deficiency; Isolated Persistent Hypermethioninemia; MAT I/III DEFICIENCY; Deficiency of methionine adenosyltransferase. Identifiers: Orphanet 168598, MedGen C0268621, MeSH C564683, MONDO:0009607, OMIM 250850.

Allele frequency attached by ClinVar (database versions not stated): TOPMed below 0.00001; gnomAD exomes 0.00001.
gnomAD v4.1: 4 of 1,614,048 alleles (0.00025%); highest among the groups gnomAD compares: Admixed American, 0.0017%; no homozygotes.

Submission:

Labcorp Genetics (formerly Invitae), Labcorp
Classification: Uncertain significance for Hepatic methionine adenosyltransferase deficiency. Last evaluated: 2024-08-20. Review status: criteria provided, single submitter. Criteria: Invitae Variant Classification Sherloc (09022015). Collection method: clinical testing. Allele origin: germline.
Comment: This sequence change replaces alanine, which is neutral and non-polar, with threonine, which is neutral and polar, at codon 233 of the MAT1A protein (p.Ala233Thr). This variant is present in population databases (no rsID available, gnomAD 0.003%). This variant has not been reported in the literature in individuals affected with MAT1A-related conditions. ClinVar contains an entry for this variant (Variation ID: 1926374). Invitae Evidence Modeling of protein sequence and biophysical properties (such as structural, functional, and spatial information, amino acid conservation, physicochemical variation, residue mobility, and thermodynamic stability) indicates that this missense variant is not expected to disrupt MAT1A protein function with a negative predictive value of 80%. In summary, the available evidence is currently insufficient to determine the role of this variant in disease. Therefore, it has been classified as a Variant of Uncertain Significance.